The following is an entry in ClinVar:

NM_018975.4(TERF2IP):c.949A>T (p.Ile317Phe)

Gene: TERF2IP (TERF2 interacting protein; plus strand). Cytogenetic location: 16q23.1.
Variant type: single nucleotide variant.
Coding change: c.949A>T on transcript NM_018975.4 (MANE Select); coding-DNA position 949, A replaced by T.
Protein change: p.Ile317Phe; replaces isoleucine 317 with phenylalanine.
Molecular consequence: missense variant. On other transcripts: non-coding transcript variant (1).
Genome position (GRCh38, 1-based): chr16:75,656,360, A>T. VCF-style: chr16-75656360-A-T. GRCh37 (hg19) VCF-style: chr16-75690258-A-T.
Other names: short protein forms I317F.
Identifiers: ClinVar variation 3325470 (VCV003325470.1).

ClinVar aggregate classification (germline): Uncertain significance (1 of 4 stars; one submission).

Submission:

Ambry Genetics
Classification: Uncertain significance. Last evaluated: 2024-06-03. Review status: criteria provided, single submitter. Criteria: Ambry Variant Classification Scheme 2023. Collection method: clinical testing. Allele origin: germline.
Comment: The p.I317F variant (also known as c.949A>T), located in coding exon 3 of the TERF2IP gene, results from an A to T substitution at nucleotide position 949. The isoleucine at codon 317 is replaced by phenylalanine, an amino acid with highly similar properties. This amino acid position is conserved. In addition, this alteration is predicted to be tolerated by in silico analysis. Based on the available evidence, the clinical significance of this variant remains unclear.